The following is an entry in ClinVar:

NM_000334.4(SCN4A):c.4274T>C (p.Ile1425Thr)

Genes: SCN4A (sodium voltage-gated channel alpha subunit 4; minus strand), GH-LCR (growth hormone locus control region; plus strand). Cytogenetic location: 17q23.3.
Variant type: single nucleotide variant.
Coding change: c.4274T>C on transcript NM_000334.4 (MANE Select); coding-DNA position 4274, T replaced by C.
Protein change: p.Ile1425Thr; replaces isoleucine 1425 with threonine.
Molecular consequence: missense variant.
Genome position (GRCh38, 1-based): chr17:63,942,840, A>G on the plus strand (T>C on the coding strand, the complement: SCN4A is on the minus strand). VCF-style: chr17-63942840-A-G. GRCh37 (hg19) VCF-style: chr17-62020200-A-G.
Other names: short protein forms I1425T.
Identifiers: ClinVar variation 3712005 (VCV003712005.2).

ClinVar aggregate classification (germline): Uncertain significance (1 of 4 stars; one submission).

Conditions:
Hyperkalemic periodic paralysis. Also called: Familial hyperkalemic periodic paralysis; Gamstorp disease. Identifiers: Orphanet 682, MedGen C0238357, MONDO:0008224, OMIM 170500, HP:0007215.

Submission:

Labcorp Genetics (formerly Invitae), Labcorp
Classification: Uncertain significance for Hyperkalemic periodic paralysis. Last evaluated: 2024-11-18. Review status: criteria provided, single submitter. Criteria: Invitae Variant Classification Sherloc (09022015). Collection method: clinical testing. Allele origin: germline.
Comment: This sequence change replaces isoleucine, which is neutral and non-polar, with threonine, which is neutral and polar, at codon 1425 of the SCN4A protein (p.Ile1425Thr). This variant is not present in population databases (gnomAD no frequency). This variant has not been reported in the literature in individuals affected with SCN4A-related conditions. Invitae Evidence Modeling of protein sequence and biophysical properties (such as structural, functional, and spatial information, amino acid conservation, physicochemical variation, residue mobility, and thermodynamic stability) has been performed for this missense variant. However, the output from this modeling did not meet the statistical confidence thresholds required to predict the impact of this variant on SCN4A protein function. In summary, the available evidence is currently insufficient to determine the role of this variant in disease. Therefore, it has been classified as a Variant of Uncertain Significance.